The following is an entry in ClinVar:

NM_000091.5(COL4A3):c.39_47dup (p.Pro15_Leu17dup)

Genes: COL4A3 (collagen type IV alpha 3 chain; plus strand), LOC129935730 (ATAC-STARR-seq lymphoblastoid silent region 12397; plus strand). Cytogenetic location: 2q36.3.
Variant type: Duplication.
Coding change: c.39_47dup on transcript NM_000091.5 (MANE Select); coding-DNA positions 39 to 47, 9 bases duplicated (GCTGCCGCT; older notation c.39_47dupGCTGCCGCT).
Protein change: p.Pro15_Leu17dup.
Molecular consequence: inframe insertion.
Genome position (GRCh38, 1-based): chr2:227,164,765-227,164,773, GCTGCCGCT duplicated; duplicating any 9 consecutive bases within chr2:227,164,763-227,164,773 gives the same sequence; the c. name uses the placement nearest the transcript's 3' end. VCF-style (leftmost placement, unchanged base first): chr2-227164762-C-CCTGCTGCCG. GRCh37 (hg19) VCF-style: chr2-228029478-C-CCTGCTGCCG.
Identifiers: ClinVar variation 553669 (VCV000553669.3), dbSNP rs1476762825, ClinGen allele CA539869575.

ClinVar aggregate classification (germline): Uncertain significance. Review status: criteria provided, single submitter (1 of 4 stars). 2 submissions from 2 submitters: Uncertain significance (1). 1 of the submissions does not count toward it. Last evaluated 2026-03-19.

Conditions:
COL4A3-related disorder. Also called: COL4A3-related condition; COL4A3-Related Disorders.
Autosomal recessive Alport syndrome (ATS2). Also called: COL4A4 Alport Syndrome and Thin Basement Membrane Nephropathy; ALPORT SYNDROME 2, AUTOSOMAL RECESSIVE; COL4A3-Related Nephropathy; Alport syndrome type 2. Identifiers: Orphanet 63, Orphanet 88919, MedGen C4746745, MONDO:0008762, OMIM 203780.

Submissions (2):

PreventionGenetics, part of Exact Sciences
Classification: Uncertain significance for COL4A3-related condition. Last evaluated: 2026-03-19. Review status: criteria provided, single submitter. Criteria: ACMG Guidelines, 2015. Collection method: clinical testing. Allele origin: germline.
Comment: The COL4A3 c.39_47dup9 variant is predicted to result in an in-frame duplication (p.Pro15_Leu17dup). To our knowledge, this variant has not been reported in the literature. This variant is reported in 0.0023% of alleles in individuals of European (Non-Finnish) descent in gnomAD. At this time, the clinical significance of this variant is uncertain due to the absence of conclusive functional and genetic evidence.

Counsyl
Classification: Uncertain significance for Autosomal recessive Alport syndrome. Last evaluated: 2017-09-12. Review status: no assertion criteria provided. Collection method: clinical testing. Allele origin: unknown. Not counted in ClinVar's aggregate classification.